The following is an entry in ClinVar:

ClinVar aggregate classification (germline): Benign/Likely benign. Review status: criteria provided, multiple submitters, no conflicts (2 of 4 stars). 9 submissions from 9 submitters: Benign (6); Likely benign (1). 2 of the submissions do not count toward it. Last evaluated 2026-05-08.

Conditions:
Short stature-pituitary and cerebellar defects-small sella turcica syndrome (CPHD4). Also called: Pituitary hormone deficiency, combined with or without cerebellar defects; Short stature, pituitary and cerebellar defects and small sella turcica. Identifiers: Orphanet 85442, MedGen C2678408, MONDO:0009880, OMIM 262700.

Allele frequency attached by ClinVar (database versions not stated): TOPMed 0.39042; gnomAD 0.40777 and 0.41814; ESP Exome Variant Server 0.41066; 1000 Genomes Project 30x 0.41240; 1000 Genomes Project 0.42632; gnomAD exomes 0.48242 and 0.50956; ExAC 0.48502.
gnomAD v4.1: 807,920 of 1,613,834 alleles (50%); highest among the groups gnomAD compares: South Asian, 60%; 209,181 homozygotes.

Submissions (9):

Women's Health and Genetics/Laboratory Corporation of America, LabCorp
Classification: Likely benign. Last evaluated: 2026-05-08. Review status: criteria provided, single submitter. Criteria: LabCorp Variant Classification Summary - May 2015. Collection method: clinical testing. Allele origin: germline.

Labcorp Genetics (formerly Invitae), Labcorp
Classification: Benign. Last evaluated: 2026-02-01. Review status: criteria provided, single submitter. Criteria: Invitae Variant Classification Sherloc (09022015). Collection method: clinical testing. Allele origin: germline.

Blueprint Genetics
Classification: Benign. Last evaluated: 2024-11-26. Review status: criteria provided, single submitter. Criteria: ACMG Guidelines, 2015. Collection method: clinical testing. Allele origin: germline.

Genome-Nilou Lab
Classification: Benign for Short stature-pituitary and cerebellar defects-small sella turcica syndrome. Last evaluated: 2021-08-19. Review status: criteria provided, single submitter. Criteria: ACMG Guidelines, 2015. Collection method: clinical testing. Allele origin: germline. Affected: no.

Illumina Laboratory Services, Illumina
Classification: Benign for Short stature-pituitary and cerebellar defects-small sella turcica syndrome. Last evaluated: 2018-03-06. Review status: criteria provided, single submitter. Criteria: ICSL Variant Classification Criteria 13 December 2019. Collection method: clinical testing. Allele origin: germline.
Comment: This variant was observed in the ICSL laboratory as part of a predisposition screen in an ostensibly healthy population. It had not been previously curated by ICSL or reported in the Human Gene Mutation Database (HGMD: prior to June 1st, 2018), and was therefore a candidate for classification through an automated scoring system. Utilizing variant allele frequency, disease prevalence and penetrance estimates, and inheritance mode, an automated score was calculated to assess if this variant is too frequent to cause the disease. Based on the score and internal cut-off values, a variant classified as benign is not then subjected to further curation. The score for this variant resulted in a classification of benign for this disease.

Breakthrough Genomics
Classification: Benign. Review status: criteria provided, single submitter. Criteria: ACMG Guidelines, 2015. Collection method: not provided. Allele origin: germline. Inheritance: Autosomal dominant inheritance. Affected: yes.

PreventionGenetics, part of Exact Sciences
Classification: Benign. Review status: criteria provided, single submitter. Criteria: ACMG Guidelines, 2015. Collection method: clinical testing. Allele origin: germline.

Clinical Genetics, Academic Medical Center
Classification: Benign. Review status: no assertion criteria provided. Collection method: clinical testing. Allele origin: germline. Affected: yes. Study: VKGL Data-share Consensus. Not counted in ClinVar's aggregate classification.

Diagnostic Laboratory, Department of Genetics, University Medical Center Groningen
Classification: Benign for Short stature-pituitary and cerebellar defects-small sella turcica syndrome. Review status: no assertion criteria provided. Collection method: clinical testing. Allele origin: germline. Affected: yes. Study: VKGL Data-share Consensus. Not counted in ClinVar's aggregate classification.

NM_033343.4(LHX4):c.983A>G (p.Asn328Ser)

Genes: ACBD6 (acyl-CoA binding domain containing 6; minus strand), LHX4 (LIM homeobox 4; plus strand), LHX4-AS1 (LHX4 antisense RNA 1; minus strand). Cytogenetic location: 1q25.2.
Variant type: single nucleotide variant.
Coding change: c.983A>G on transcript NM_033343.4 (MANE Select); coding-DNA position 983, A replaced by G.
Protein change: p.Asn328Ser; replaces asparagine 328 with serine.
Molecular consequence: missense variant.
Genome position (GRCh38, 1-based): chr1:180,274,389, A>G. VCF-style: chr1-180274389-A-G. GRCh37 (hg19) VCF-style: chr1-180243524-A-G.
Other names: short protein forms N328S.
Identifiers: ClinVar variation 262225 (VCV000262225.20), dbSNP rs7536561, ClinGen allele CA1272062.